The following is an entry in ClinVar:

NM_000038.6(APC):c.826A>G (p.Asn276Asp)

Gene: APC (APC regulator of Wnt signaling pathway; plus strand). Cytogenetic location: 5q22.2.
Variant type: single nucleotide variant.
Coding change: c.826A>G on transcript NM_000038.6 (MANE Select); coding-DNA position 826, A replaced by G.
Protein change: p.Asn276Asp; replaces asparagine 276 with aspartic acid.
Molecular consequence: missense variant. On other transcripts: 5 prime UTR variant (4), non-coding transcript variant (2).
Genome position (GRCh38, 1-based): chr5:112,801,375, A>G. VCF-style: chr5-112801375-A-G. GRCh37 (hg19) VCF-style: chr5-112137072-A-G.
Other names: c.826A>G, p.Asn276Asp (NM_001127510.3, NM_001354895.2, NM_001354896.2 and 12 more transcripts); c.772A>G, p.Asn258Asp (NM_001127511.3); c.856A>G, p.Asn286Asp (NM_001354897.2, NM_001354902.2, NM_001407446.1); c.751A>G, p.Asn251Asp (NM_001354898.2, NM_001354904.2, NM_001407451.1); c.742A>G, p.Asn248Asp (NM_001354899.2, NM_001407452.1, NM_001407467.1 and 1 more transcripts); c.649A>G, p.Asn217Asp (NM_001354900.2, NM_001354901.2, NM_001354905.2 and 1 more transcripts); c.-210A>G (NM_001354906.2, NM_001407470.1, NM_001407471.1 and 1 more transcripts); c.826A>G (NM_000038.5); short protein forms N217D, N248D, N251D, N258D, N286D, N276D.
Identifiers: ClinVar variation 2994109 (VCV002994109.4), dbSNP rs1561515658, ClinGen allele CA16023133.
Genomic context (GRCh38, chr5:112,801,375, plus strand): 5'-GATGCTGAGCGGCAGAATGAAGGTCAAGGAGTGGGAGAAATCAACATGGCAACTTCTGGT[A>G]ATGGTCAGGTAAATAAATTATTTTATCATATTTTTTAAAATTATTTAAATATCAGAAAAG-3'
Protein context (NP_000029.2, residues 266-286): VGEINMATSG[Asn276Asp]GQGSTTRMDH

ClinVar aggregate classification (germline): Uncertain significance. Review status: criteria provided, multiple submitters, no conflicts (2 of 4 stars). 2 submissions from 2 submitters: Uncertain significance (2). Last evaluated 2023-11-29.

Conditions:
Hereditary cancer-predisposing syndrome. Also called: Hereditary Cancer Syndrome; Hereditary neoplastic syndrome; Neoplastic Syndromes, Hereditary; Tumor predisposition. Identifiers: Orphanet 140162, MedGen C0027672, MeSH D009386, MONDO:0015356.
Familial adenomatous polyposis 1 (FAP1). Also called: FAMILIAL ADENOMATOUS POLYPOSIS 1, ATTENUATED; POLYPOSIS, ADENOMATOUS INTESTINAL. Identifiers: MedGen C2713442, MONDO:0021056, OMIM 175100. Disease mechanism: loss of function.

Submissions (2):

Ambry Genetics
Classification: Uncertain significance for Hereditary cancer-predisposing syndrome. Last evaluated: 2023-11-29. Review status: criteria provided, single submitter. Criteria: Ambry Variant Classification Scheme 2023. Collection method: clinical testing. Allele origin: germline.
Comment: The p.N276D variant (also known as c.826A>G), located in coding exon 7 of the APC gene, results from an A to G substitution at nucleotide position 826. The asparagine at codon 276 is replaced by aspartic acid, an amino acid with highly similar properties. This amino acid position is poorly conserved in available vertebrate species. In addition, in silico predictors for this gene do not accurately predict pathogenicity. Since supporting evidence is limited at this time, the clinical significance of this alteration remains unclear.

Labcorp Genetics (formerly Invitae), Labcorp
Classification: Uncertain significance for Familial adenomatous polyposis 1. Last evaluated: 2023-11-02. Review status: criteria provided, single submitter. Criteria: Invitae Variant Classification Sherloc (09022015). Collection method: clinical testing. Allele origin: germline.
Comment: This sequence change replaces asparagine, which is neutral and polar, with aspartic acid, which is acidic and polar, at codon 276 of the APC protein (p.Asn276Asp). This variant is not present in population databases (gnomAD no frequency). This variant has not been reported in the literature in individuals affected with APC-related conditions. Advanced modeling of protein sequence and biophysical properties (such as structural, functional, and spatial information, amino acid conservation, physicochemical variation, residue mobility, and thermodynamic stability) performed at Invitae indicates that this missense variant is not expected to disrupt APC protein function with a negative predictive value of 95%. In summary, the available evidence is currently insufficient to determine the role of this variant in disease. Therefore, it has been classified as a Variant of Uncertain Significance.